The following is an entry in ClinVar:

ClinVar aggregate classification (germline): Uncertain significance (1 of 4 stars; one submission).

Conditions:
Autosomal dominant polycystic kidney disease. Identifiers: Orphanet 730, MedGen C0085413, MONDO:0004691.

Submission:

Labcorp Genetics (formerly Invitae), Labcorp
Classification: Uncertain significance for Autosomal dominant polycystic kidney disease. Last evaluated: 2023-02-19. Review status: criteria provided, single submitter. Criteria: Invitae Variant Classification Sherloc (09022015). Collection method: clinical testing. Allele origin: germline.
Comment: Experimental studies and prediction algorithms are not available or were not evaluated, and the functional significance of this variant is currently unknown. This variant has not been reported in the literature in individuals affected with PKD2-related conditions. Information on the frequency of this variant in the gnomAD database is not available, as this variant may be reported differently in the database. This sequence change replaces aspartic acid, which is acidic and polar, with asparagine, which is neutral and polar, at codon 66 of the PKD2 protein (p.Asp66Asn). In summary, the available evidence is currently insufficient to determine the role of this variant in disease. Therefore, it has been classified as a Variant of Uncertain Significance.

NM_000297.4(PKD2):c.195_196delinsAA (p.Asp66Asn)

Genes: PKD2 (polycystin 2, transient receptor potential cation channel; plus strand), LOC129992813 (ATAC-STARR-seq lymphoblastoid silent region 15559; plus strand). Cytogenetic location: 4q22.1.
Variant type: Indel.
Coding change: c.195_196delinsAA on transcript NM_000297.4 (MANE Select); coding-DNA positions 195 to 196, GG replaced by AA.
Protein change: p.Asp66Asn; replaces aspartic acid 66 with asparagine.
Molecular consequence: missense variant. On other transcripts: non-coding transcript variant (1).
Genome position (GRCh38, 1-based): chr4:88,007,928-88,007,929, GG replaced by AA. VCF-style: chr4-88007928-GG-AA. GRCh37 (hg19) VCF-style: chr4-88929080-GG-AA.
Other names: short protein forms D66N.
Identifiers: ClinVar variation 2966507 (VCV002966507.3), dbSNP rs2476357206, ClinGen allele CA2740091304.
Genomic context (GRCh38, chr4:88,007,928, plus strand): 5'-CCTCTGCGAGCAGCGGGGCCTGGAGATCGAGATGCAGCGCATCCGGCAGGCGGCCGCGCG[GG>AA]ACCCCCCGGCCGGAGCCGCGGCCTCCCCTTCTCCTCCGCTCTCGTCGTGCTCCCGGCAGG-3'
Protein context (NP_000288.1, residues 56-76): MQRIRQAAAR[Asp66Asn]PPAGAAASPS